The following is an entry in ClinVar:

NM_000212.3(ITGB3):c.285C>T (p.Leu95=)

Gene: ITGB3 (integrin subunit beta 3; plus strand). Cytogenetic location: 17q21.32.
Variant type: single nucleotide variant.
Coding change: c.285C>T on transcript NM_000212.3 (MANE Select); coding-DNA position 285, C replaced by T.
Protein change: p.Leu95=; no amino-acid change (leucine 95 retained).
Molecular consequence: synonymous variant.
Genome position (GRCh38, 1-based): chr17:47,283,473, C>T. VCF-style: chr17-47283473-C-T. GRCh37 (hg19) VCF-style: chr17-45360839-C-T.
Identifiers: ClinVar variation 696251 (VCV000696251.18), dbSNP rs151121691, ClinGen allele CA8622908.
Genomic context (GRCh38, chr17:47,283,473, plus strand): 5'-TGCCCCAGAATCCATCGAGTTCCCAGTGAGTGAGGCCCGAGTACTAGAGGACAGGCCCCT[C>T]AGCGACAAGGGCTCTGGAGACAGCTCCCAGGTCACTCAAGTCAGTCCCCAGAGGATTGCA-3'
Protein context (NP_000203.2, residues 85-105): SEARVLEDRP[Leu95=]SDKGSGDSSQ

ClinVar aggregate classification (germline): Likely benign. Review status: reviewed by expert panel (3 of 4 stars). 6 submissions from 6 submitters: Likely benign (1). 5 of the submissions do not count toward it. Last evaluated 2021-05-07.

Conditions:
ITGB3-related disorder. Also called: ITGB3-related condition.
Glanzmann thrombasthenia. Also called: THROMBASTHENIA OF GLANZMANN AND NAEGELI; Glanzmann's thrombasthenia; Thrombasthenia; PLATELET GLYCOPROTEIN IIb-IIIa DEFICIENCY. Identifiers: Orphanet 849, MedGen C0040015, MONDO:0100326.

Allele frequency attached by ClinVar (database versions not stated): 1000 Genomes Project 0.00020; gnomAD exomes 0.00028 and 0.00031; gnomAD 0.00029 and 0.00030; TOPMed 0.00030; 1000 Genomes Project 30x 0.00031; ExAC 0.00032; ESP Exome Variant Server 0.00054.
gnomAD v4.1: 467 of 1,614,222 alleles (0.029%); highest among the groups gnomAD compares: South Asian, 0.044%; 2 homozygotes.

Submissions (6):

ClinGen Platelet Disorders Variant Curation Expert Panel, ClinGen
Classification: Likely benign for Glanzmann thrombasthenia. Last evaluated: 2021-05-07. Review status: reviewed by expert panel. Criteria: ClinGen Platelet ACMG Specifications v2. Collection method: curation. Allele origin: germline. Inheritance: Autosomal recessive inheritance.
Comment: The NM_000212.3(ITGB3):c.285C>T (p.Leu95=) synonymous variant was observed by Illumina as part of a predisposition screen in an ostensibly healthy population and has been reported in the literature in a blood donor cohort (PMID: 32110192) but has not been reported in a GT patient. It is not predicted to have an impact on splicing and occurs at an intermediate allele frequency of 0.0004338 (56/129078 alleles) in the gnomAD non-Finnish European population. In summary, this variant meets criteria to be classified as Likely Benign for GT. GT-specific criteria applied: BS1, BP4, and BP7.

Labcorp Genetics (formerly Invitae), Labcorp
Classification: Likely benign. Last evaluated: 2025-12-01. Review status: criteria provided, single submitter. Criteria: Invitae Variant Classification Sherloc (09022015). Collection method: clinical testing. Allele origin: germline. Not counted in ClinVar's aggregate classification.

Blueprint Genetics
Classification: Likely benign. Last evaluated: 2024-10-23. Review status: criteria provided, single submitter. Criteria: ACMG Guidelines, 2015. Collection method: clinical testing. Allele origin: germline. Not counted in ClinVar's aggregate classification.

Genetic Services Laboratory, University of Chicago
Classification: Likely benign. Last evaluated: 2019-01-30. Review status: criteria provided, single submitter. Criteria: ACMG Guidelines, 2015. Collection method: clinical testing. Allele origin: germline. Affected: no. Not counted in ClinVar's aggregate classification.

Illumina Laboratory Services, Illumina
Classification: Uncertain significance for Glanzmann thrombasthenia 1. Last evaluated: 2018-02-09. Review status: criteria provided, single submitter. Criteria: ICSL Variant Classification Criteria 13 December 2019. Collection method: clinical testing. Allele origin: germline. Not counted in ClinVar's aggregate classification.

PreventionGenetics, part of Exact Sciences
Classification: Likely benign for ITGB3-related condition. Last evaluated: 2019-12-30. Review status: no assertion criteria provided. Collection method: clinical testing. Allele origin: germline. Not counted in ClinVar's aggregate classification.
Comment: This variant is classified as likely benign based on ACMG/AMP sequence variant interpretation guidelines (Richards et al. 2015 PMID: 25741868, with internal and published modifications).